The following is an entry in ClinVar:

ClinVar aggregate classification (germline): Pathogenic (1 of 4 stars; one submission).

Submission:

Labcorp Genetics (formerly Invitae), Labcorp
Classification: Pathogenic. Last evaluated: 2023-09-06. Review status: criteria provided, single submitter. Criteria: Invitae Variant Classification Sherloc (09022015). Collection method: clinical testing. Allele origin: germline.
Comment: For these reasons, this variant has been classified as Pathogenic. This premature translational stop signal has been observed in individual(s) with Hermansky-Pudlak syndrome (PMID: 21833017). This variant is not present in population databases (gnomAD no frequency). This sequence change creates a premature translational stop signal (p.Val101Glyfs*3) in the HPS5 gene. It is expected to result in an absent or disrupted protein product. Loss-of-function variants in HPS5 are known to be pathogenic (PMID: 12548288, 15296495, 21833017, 26785811).

Literature cited by the submitters: PubMed 21833017; PubMed 12548288; PubMed 15296495; PubMed 26785811.

NM_181507.2(HPS5):c.302_305del (p.Val101fs)

Gene: HPS5 (HPS5 biogenesis of lysosomal organelles complex 2 subunit 2; minus strand). Cytogenetic location: 11p15.1.
Variant type: Deletion.
Coding change: c.302_305del on transcript NM_181507.2 (MANE Select); coding-DNA positions 302 to 305, 4 bases deleted (TTTG; older notation c.302_305delTTTG).
Protein change: p.Val101fs; shifts the reading frame from valine 101.
Molecular consequence: frameshift variant. On other transcripts: 5 prime UTR variant (1).
Genome position (GRCh38, 1-based): chr11:18,310,913-18,310,916, CAAA deleted on the plus strand (TTTG on the coding strand, the reverse complement: HPS5 is on the minus strand); deleting any 4 consecutive bases within chr11:18,310,913-18,310,919 gives the same sequence; the c. name uses the placement nearest the transcript's 3' end. VCF-style (leftmost placement, unchanged base first): chr11-18310912-CCAAA-C. GRCh37 (hg19) VCF-style: chr11-18332459-CCAAA-C.
Other names: c.-41_-38del (NM_007216.4); c.-44_-41delTTGT (NM_181508.2); short protein forms V101fs.
Identifiers: ClinVar variation 2735563 (VCV002735563.3), dbSNP rs2494195563, ClinGen allele CA1139532554.